The following is an entry in ClinVar:

NM_032043.3(BRIP1):c.1378G>A (p.Asp460Asn)

Gene: BRIP1 (BRCA1 interacting DNA helicase 1; minus strand). Cytogenetic location: 17q23.2.
Variant type: single nucleotide variant.
Coding change: c.1378G>A on transcript NM_032043.3 (MANE Select); coding-DNA position 1378, G replaced by A.
Protein change: p.Asp460Asn; replaces aspartic acid 460 with asparagine.
Molecular consequence: missense variant.
Genome position (GRCh38, 1-based): chr17:61,793,692, C>T on the plus strand (G>A on the coding strand, the complement: BRIP1 is on the minus strand). VCF-style: chr17-61793692-C-T. GRCh37 (hg19) VCF-style: chr17-59871053-C-T.
Other names: short protein forms D460N.
Identifiers: ClinVar variation 4630402 (VCV004630402.1).

ClinVar aggregate classification (germline): Uncertain significance (1 of 4 stars; one submission).

Conditions:
Hereditary cancer-predisposing syndrome. Also called: Neoplastic Syndromes, Hereditary; Tumor predisposition; Hereditary Cancer Syndrome; Hereditary neoplastic syndrome. Identifiers: Orphanet 140162, MedGen C0027672, MeSH D009386, MONDO:0015356.

gnomAD v4.1: 1 of 1,610,428 alleles (0.000062%); highest among the groups gnomAD compares: Admixed American, 0.0017%; no homozygotes.

Submission:

Ambry Genetics
Classification: Uncertain significance for Hereditary cancer-predisposing syndrome. Last evaluated: 2025-10-23. Review status: criteria provided, single submitter. Criteria: Ambry Variant Classification Scheme 2023. Collection method: clinical testing. Allele origin: germline.
Comment: The p.D460N variant (also known as c.1378G>A), located in coding exon 9 of the BRIP1 gene, results from a G to A substitution at nucleotide position 1378. The aspartic acid at codon 460 is replaced by asparagine, an amino acid with highly similar properties. This amino acid position is conserved. In addition, this alteration is predicted to be tolerated by in silico analysis. Based on the available evidence, the clinical significance of this variant remains unclear.